The following is an entry in ClinVar:

ClinVar aggregate classification (germline): Uncertain significance. Review status: criteria provided, multiple submitters, no conflicts (2 of 4 stars). 2 submissions from 2 submitters: Uncertain significance (2). Last evaluated 2025-08-31.

Conditions:
Inborn genetic diseases. Identifiers: MedGen C0950123, MeSH D030342.
Cohen syndrome (COH1). Also called: Cutis verticis gyrata, retinitis pigmentosa, and sensorineural deafness; PEPPER SYNDROME. Identifiers: Orphanet 193, MedGen C0265223, MONDO:0008999, OMIM 216550.

gnomAD v4.1: 5 of 1,614,166 alleles (0.00031%); highest among the groups gnomAD compares: Non-Finnish European, 0.00042%; no homozygotes.

Submissions (2):

Ambry Genetics
Classification: Uncertain significance for Inborn genetic diseases. Last evaluated: 2025-08-31. Review status: criteria provided, single submitter. Criteria: Ambry Variant Classification Scheme 2023. Collection method: clinical testing. Allele origin: germline.

Labcorp Genetics (formerly Invitae), Labcorp
Classification: Uncertain significance for Cohen syndrome. Last evaluated: 2025-06-27. Review status: criteria provided, single submitter. Criteria: Invitae Variant Classification Sherloc (09022015). Collection method: clinical testing. Allele origin: germline.
Comment: This sequence change replaces glutamic acid, which is acidic and polar, with glycine, which is neutral and non-polar, at codon 363 of the VPS13B protein (p.Glu363Gly). This variant is not present in population databases (gnomAD no frequency). This variant has not been reported in the literature in individuals affected with VPS13B-related conditions. Invitae Evidence Modeling of protein sequence and biophysical properties (such as structural, functional, and spatial information, amino acid conservation, physicochemical variation, residue mobility, and thermodynamic stability) indicates that this missense variant is not expected to disrupt VPS13B protein function with a negative predictive value of 80%. In summary, the available evidence is currently insufficient to determine the role of this variant in disease. Therefore, it has been classified as a Variant of Uncertain Significance.

NM_152564.5(VPS13B):c.1088A>G (p.Glu363Gly)

Gene: VPS13B (vacuolar protein sorting 13 homolog B; plus strand). Cytogenetic location: 8q22.2.
Variant type: single nucleotide variant.
Coding change: c.1088A>G on transcript NM_152564.5 (MANE Select); coding-DNA position 1088, A replaced by G.
Protein change: p.Glu363Gly; replaces glutamic acid 363 with glycine.
Molecular consequence: missense variant. On other transcripts: non-coding transcript variant (1).
Genome position (GRCh38, 1-based): chr8:99,121,327, A>G. VCF-style: chr8-99121327-A-G. GRCh37 (hg19) VCF-style: chr8-100133555-A-G.
Other names: c.1088A>G, p.Glu363Gly (NM_181661.3, NM_015243.3, NM_017890.5); short protein forms E363G.
Identifiers: ClinVar variation 4199061 (VCV004199061.2).